The following is an entry in ClinVar:

NM_014709.4(USP34):c.1446A>G (p.Leu482=)

Gene: USP34 (ubiquitin specific peptidase 34; minus strand). Cytogenetic location: 2p15.
Variant type: single nucleotide variant.
Coding change: c.1446A>G on transcript NM_014709.4 (MANE Select); coding-DNA position 1446, A replaced by G.
Protein change: p.Leu482=; no amino-acid change (leucine 482 retained).
Molecular consequence: synonymous variant.
Genome position (GRCh38, 1-based): chr2:61,350,321, T>C on the plus strand (A>G on the coding strand, the complement: USP34 is on the minus strand). VCF-style: chr2-61350321-T-C. GRCh37 (hg19) VCF-style: chr2-61577456-T-C.
Identifiers: ClinVar variation 2650985 (VCV002650985.24), dbSNP rs1691908053, ClinGen allele CA426413565.

ClinVar aggregate classification (germline): Likely benign (1 of 4 stars; one submission).

Allele frequency attached by ClinVar (database versions not stated): gnomAD exomes 0.00001.

Submission:

CeGaT Center for Human Genetics Tuebingen
Classification: Likely benign. Last evaluated: 2022-07-01. Review status: criteria provided, single submitter. Criteria: CeGaT Center For Human Genetics Tuebingen Variant Classification Criteria Version 2. Collection method: clinical testing. Allele origin: germline. Affected: yes. Observed: 1 variant allele.
Comment: USP34: PM2:Supporting, BP4, BP7